The following is an entry in ClinVar:

ClinVar aggregate classification (germline): Pathogenic. Review status: criteria provided, multiple submitters, no conflicts (2 of 4 stars). 3 submissions from 3 submitters: Pathogenic (3). Last evaluated 2023-08-11.

Conditions:
Myopathy, proximal, and ophthalmoplegia (CMYO6). Also called: MYOPATHY WITH CONGENITAL JOINT CONTRACTURES, OPHTHALMOPLEGIA, AND RIMMED VACUOLES; INCLUSION BODY MYOPATHY 3, AUTOSOMAL DOMINANT; CONGENITAL MYOPATHY 6 WITH OPHTHALMOPLEGIA. Identifiers: Orphanet 363677, Orphanet 79091, MedGen C1854106, MONDO:0011577, OMIM 605637.

Allele frequency attached by ClinVar (database versions not stated): TOPMed below 0.00001; gnomAD 0.00001; ExAC 0.00002; gnomAD exomes 0.00002; 1000 Genomes Project 30x 0.00016; 1000 Genomes Project 0.00020.

Submissions (3):

GeneDx
Classification: Pathogenic. Last evaluated: 2023-08-11. Review status: criteria provided, single submitter. Criteria: GeneDx Variant Classification Process June 2021. Collection method: clinical testing. Allele origin: germline. Affected: yes.
Comment: Nonsense variant predicted to result in protein truncation or nonsense mediated decay in a gene for which loss-of-function is a known mechanism of disease; This variant is associated with the following publications: (PMID: 36745529, 31069529, 37432518, 32578970)

Labcorp Genetics (formerly Invitae), Labcorp
Classification: Pathogenic for Myopathy, proximal, and ophthalmoplegia. Last evaluated: 2022-03-25. Review status: criteria provided, single submitter. Criteria: Invitae Variant Classification Sherloc (09022015). Collection method: clinical testing. Allele origin: germline.
Comment: For these reasons, this variant has been classified as Pathogenic. ClinVar contains an entry for this variant (Variation ID: 625152). This premature translational stop signal has been observed in individual(s) with autosomal recessive MYH2-related conditions (PMID: 32578970). This variant is present in population databases (rs545623839, gnomAD 0.006%). This sequence change creates a premature translational stop signal (p.Arg793*) in the MYH2 gene. It is expected to result in an absent or disrupted protein product. Loss-of-function variants in MYH2 are known to be pathogenic (PMID: 20418530, 23388406, 24193343).

IRCCS Fondazione Stella Maris, University of Pisa
Classification: Pathogenic for Myopathy, proximal, and ophthalmoplegia. Last evaluated: 2018-03-06. Review status: criteria provided, single submitter. Criteria: ACMG Guidelines, 2015. Collection method: clinical testing. Allele origin: de novo. Inheritance: Autosomal recessive inheritance. Affected: yes. Observed: 1 compound heterozygote.

Literature cited by the submitters: PubMed 32578970 (cited by Labcorp Genetics (formerly Invitae), Labcorp); PubMed 20418530 (cited by Labcorp Genetics (formerly Invitae), Labcorp); PubMed 23388406 (cited by Labcorp Genetics (formerly Invitae), Labcorp); PubMed 24193343 (cited by Labcorp Genetics (formerly Invitae), Labcorp); DOI 10.1016/j.nmd.2018.05.006 (cited by IRCCS Fondazione Stella Maris, University of Pisa).

NM_017534.6(MYH2):c.2377C>T (p.Arg793Ter)

Genes: MYH2 (myosin heavy chain 2; minus strand), MYHAS (myosin heavy chain gene cluster antisense RNA; plus strand). Cytogenetic location: 17p13.1.
Variant type: single nucleotide variant.
Coding change: c.2377C>T on transcript NM_017534.6 (MANE Select); coding-DNA position 2377, C replaced by T.
Protein change: p.Arg793Ter; replaces arginine 793 with a stop codon.
Molecular consequence: nonsense.
Genome position (GRCh38, 1-based): chr17:10,533,349, G>A on the plus strand (C>T on the coding strand, the complement: MYH2 is on the minus strand). VCF-style: chr17-10533349-G-A. GRCh37 (hg19) VCF-style: chr17-10436666-G-A.
Other names: c.2377C>T, p.Arg793Ter (NM_001100112.2); short protein forms R793*.
Identifiers: ClinVar variation 625152 (VCV000625152.11), dbSNP rs545623839, ClinGen allele CA8391144.